The following is an entry in ClinVar:

ClinVar aggregate classification (germline): Uncertain significance (1 of 4 stars; one submission).

gnomAD v4.1: 34 of 1,613,882 alleles (0.0021%); highest among the groups gnomAD compares: Non-Finnish European, 0.0029%; no homozygotes.

Submission:

GeneDx
Classification: Uncertain significance. Last evaluated: 2023-06-15. Review status: criteria provided, single submitter. Criteria: GeneDx Variant Classification Process June 2021. Collection method: clinical testing. Allele origin: germline. Affected: yes.
Comment: Not observed at significant frequency in large population cohorts (gnomAD); In silico analysis supports that this missense variant has a deleterious effect on protein structure/function; Has not been previously published as pathogenic or benign to our knowledge

NM_001206641.3(COA6):c.275G>A (p.Arg92Gln)

Gene: COA6 (cytochrome c oxidase assembly factor 6; plus strand). Cytogenetic location: 1q42.2.
Variant type: single nucleotide variant.
Coding change: c.275G>A on transcript NM_001206641.3 (MANE Select); coding-DNA position 275, G replaced by A.
Protein change: p.Arg92Gln; replaces arginine 92 with glutamine.
Molecular consequence: missense variant.
Genome position (GRCh38, 1-based): chr1:234,374,292, G>A. VCF-style: chr1-234374292-G-A. GRCh37 (hg19) VCF-style: chr1-234510038-G-A.
Other names: c.185G>A, p.Arg62Gln (NM_001012985.2); c.47G>A, p.Arg16Gln (NM_001301733.1); short protein forms R16Q, R62Q, R92Q.
Identifiers: ClinVar variation 3359868 (VCV003359868.1).
Genomic context (GRCh38, chr1:234,374,292, plus strand): 5'-TCATCGCAGTAGGAATGGCAGCCCCATCTATGAAGGAAAGACAGGTCTGCTGGGGGGCCC[G>A]GGATGAGTACTGGAAGTGTTTAGATGAGAACTTAGAGGATGCTTCTCAATGCAAGAAGTT-3'
Protein context (NP_001193570.2, residues 82-102): MKERQVCWGA[Arg92Gln]DEYWKCLDEN